The following is an entry in ClinVar:

ClinVar aggregate classification (germline): Likely benign (0 of 4 stars; one submission).

Conditions:
AMMECR1-related disorder. Also called: AMMECR1-related condition.

Allele frequency attached by ClinVar (database versions not stated): gnomAD exomes 0.00008; ExAC 0.00011; TOPMed 0.00014.
gnomAD v4.1: 97 of 1,202,047 alleles (0.0081%); highest among the groups gnomAD compares: Admixed American, 0.073%; no homozygotes.

Submission:

PreventionGenetics, part of Exact Sciences
Classification: Likely benign for AMMECR1-related condition. Last evaluated: 2019-06-07. Review status: no assertion criteria provided. Collection method: clinical testing. Allele origin: germline.
Comment: This variant is classified as likely benign based on ACMG/AMP sequence variant interpretation guidelines (Richards et al. 2015 PMID: 25741868, with internal and published modifications).

NM_015365.3(AMMECR1):c.356C>G (p.Pro119Arg)

Gene: AMMECR1 (AMMECR nuclear protein 1; minus strand). Cytogenetic location: Xq23.
Variant type: single nucleotide variant.
Coding change: c.356C>G on transcript NM_015365.3 (MANE Select); coding-DNA position 356, C replaced by G.
Protein change: p.Pro119Arg; replaces proline 119 with arginine.
Molecular consequence: missense variant. On other transcripts: 5 prime UTR variant (1).
Genome position (GRCh38, 1-based): chrX:110,317,716, G>C on the plus strand (C>G on the coding strand, the complement: AMMECR1 is on the minus strand). VCF-style: chrX-110317716-G-C. GRCh37 (hg19) VCF-style: chrX-109560944-G-C.
Other names: c.356C>G, p.Pro119Arg (NM_001025580.2); c.-14C>G (NM_001171689.2); short protein forms P119R.
Identifiers: ClinVar variation 3034302 (VCV003034302.2), dbSNP rs745844977, ClinGen allele CA10491595.
Genomic context (GRCh38, chrX:110,317,716, plus strand): 5'-TAGAGCACATCGAAGCAAAAGCAGCACATCTCTGCTGACACCACCATCTTCCGGGAGCCC[G>C]GCGATGAGGACGAGGCGGCGGACGATGAGGAGGGTGAGGAAGAGGTGGCGGCGGCCGGGG-3'
Protein context (NP_056180.1, residues 109-129): SSSSAASSSS[Pro119Arg]GSRKMVVSAE